The following is an entry in ClinVar:

NM_003545.4(H4C5):c.232A>C (p.Lys78Gln)

Gene: H4C5 (H4 clustered histone 5; plus strand). Cytogenetic location: 6p22.2.
Variant type: single nucleotide variant.
Coding change: c.232A>C on transcript NM_003545.4 (MANE Select); coding-DNA position 232, A replaced by C.
Protein change: p.Lys78Gln; replaces lysine 78 with glutamine.
Molecular consequence: missense variant.
Genome position (GRCh38, 1-based): chr6:26,204,876, A>C. VCF-style: chr6-26204876-A-C. GRCh37 (hg19) VCF-style: chr6-26205104-A-C.
Other names: short protein forms K78Q.
Identifiers: ClinVar variation 2629096 (VCV002629096.1), dbSNP rs2480785279, ClinGen allele CA363201013.

ClinVar aggregate classification (germline): Likely pathogenic (1 of 4 stars; one submission).

Conditions:
H4C5-related disorder. Also called: H4C5-related condition.

Submission:

PreventionGenetics, part of Exact Sciences
Classification: Likely pathogenic for H4C5-related condition. Last evaluated: 2023-09-29. Review status: criteria provided, single submitter. Criteria: ACMG Guidelines, 2015. Collection method: clinical testing. Allele origin: germline.
Comment: The H4C5 c.232A>C variant is predicted to result in the amino acid substitution p.Lys78Gln. To our knowledge, this variant has not been reported in the literature or in a large population database, indicating this variant is rare. This variant is interpreted as likely pathogenic.